The following is an entry in ClinVar:

ClinVar aggregate classification (germline): Conflicting classifications of pathogenicity. Review status: criteria provided, conflicting classifications (1 of 4 stars). 3 submissions from 3 submitters: Pathogenic (1); Uncertain significance (2). Last evaluated 2026-09-03.

Conditions:
Aortic valve disease 2 (AOVD2). Identifiers: MedGen C3542024, MONDO:0013902, OMIM 614823.

gnomAD v4.1: 11 of 1,491,340 alleles (0.00074%); highest among the groups gnomAD compares: East Asian, 0.0029%; no homozygotes.

Submissions (3):

GeneDx
Classification: Pathogenic. Last evaluated: 2026-09-03. Review status: criteria provided, single submitter. Criteria: GeneDx Variant Classification Process June 2021. Collection method: clinical testing. Allele origin: germline.
Comment: Not observed at significant frequency in large population cohorts (gnomAD); Nonsense variant predicted to result in protein truncation or nonsense mediated decay in a gene for which loss of function is a known mechanism of disease; This variant is associated with the following publications: (PMID: 36732661, 28808027, 40488688)

Labcorp Genetics (formerly Invitae), Labcorp
Classification: Uncertain significance for Aortic valve disease 2. Last evaluated: 2022-09-02. Review status: criteria provided, single submitter. Criteria: Invitae Variant Classification Sherloc (09022015). Collection method: clinical testing. Allele origin: germline.
Comment: In summary, the available evidence is currently insufficient to determine the role of this variant in disease. Therefore, it has been classified as a Variant of Uncertain Significance. This premature translational stop signal has been observed in individual(s) with craniosynostosis (PMID: 28808027). This variant is not present in population databases (gnomAD no frequency). This sequence change creates a premature translational stop signal (p.Arg15*) in the SMAD6 gene. It is expected to result in an absent or disrupted protein product. However, the current clinical and genetic evidence is not sufficient to establish whether loss-of-function variants in SMAD6 cause disease.

Revvity Omics, Revvity
Classification: Uncertain significance for Aortic valve disease 2. Last evaluated: 2022-01-17. Review status: criteria provided, single submitter. Criteria: ACMG Guidelines, 2015. Collection method: clinical testing. Allele origin: germline.

Literature cited by the submitters: PubMed 28808027 (cited by Labcorp Genetics (formerly Invitae), Labcorp).

NM_005585.5(SMAD6):c.43C>T (p.Arg15Ter)

Gene: SMAD6 (SMAD family member 6; plus strand). Cytogenetic location: 15q22.31.
Variant type: single nucleotide variant.
Coding change: c.43C>T on transcript NM_005585.5 (MANE Select); coding-DNA position 43, C replaced by T.
Protein change: p.Arg15Ter; replaces arginine 15 with a stop codon.
Molecular consequence: nonsense. On other transcripts: non-coding transcript variant (1).
Genome position (GRCh38, 1-based): chr15:66,703,301, C>T. VCF-style: chr15-66703301-C-T. GRCh37 (hg19) VCF-style: chr15-66995639-C-T.
Other names: c.43C>T (NM_005585.4); short protein forms R15*.
Identifiers: ClinVar variation 2137722 (VCV002137722.10), dbSNP rs766270982, ClinGen allele CA7626418.